The following is an entry in ClinVar:

ClinVar aggregate classification (germline): Benign. Review status: criteria provided, multiple submitters, no conflicts (2 of 4 stars). 7 submissions from 7 submitters: Benign (5). 2 of the submissions do not count toward it. Last evaluated 2026-02-04.

Allele frequency attached by ClinVar (database versions not stated): 1000 Genomes Project 30x 0.16177; 1000 Genomes Project 0.16254; ESP Exome Variant Server 0.18092; TOPMed 0.18108; gnomAD 0.18114; ExAC 0.23137.
gnomAD v4.1: 371,427 of 1,612,578 alleles (23%); highest among the groups gnomAD compares: Admixed American, 33%; 46,507 homozygotes.

Submissions (7):

Labcorp Genetics (formerly Invitae), Labcorp
Classification: Benign. Last evaluated: 2026-02-04. Review status: criteria provided, single submitter. Criteria: Invitae Variant Classification Sherloc (09022015). Collection method: clinical testing. Allele origin: germline.

Blueprint Genetics
Classification: Benign. Last evaluated: 2024-11-26. Review status: criteria provided, single submitter. Criteria: ACMG Guidelines, 2015. Collection method: clinical testing. Allele origin: germline.

GeneDx
Classification: Benign. Last evaluated: 2018-11-11. Review status: criteria provided, single submitter. Criteria: GeneDx Variant Classification Process June 2021. Collection method: clinical testing. Allele origin: germline. Affected: yes.

Laboratory for Molecular Medicine, Mass General Brigham Personalized Medicine
Classification: Benign. Last evaluated: 2016-03-21. Review status: criteria provided, single submitter. Criteria: LMM Criteria. Collection method: clinical testing. Allele origin: germline. Observed: 1 variant allele.
Comment: c.1053+13G>C in intron 11 of CLCNKB: This variant is not expected to have clinic al significance because it is not located within the splice consensus sequence a nd has been identified in 37.07% (4277/11538) of Latino chromosomes by the Exome Aggregation Consortium (ExAC; dbSNP rs35480349) .

Breakthrough Genomics
Classification: Benign. Review status: criteria provided, single submitter. Criteria: ACMG Guidelines, 2015. Collection method: not provided. Allele origin: germline. Inheritance: Autosomal recessive inheritance. Affected: yes.

Diagnostic Laboratory, Department of Genetics, University Medical Center Groningen
Classification: Benign. Review status: no assertion criteria provided. Collection method: clinical testing. Allele origin: germline. Affected: yes. Study: VKGL Data-share Consensus. Not counted in ClinVar's aggregate classification.

Joint Genome Diagnostic Labs from Nijmegen and Maastricht, Radboudumc and MUMC+
Classification: Benign. Review status: no assertion criteria provided. Collection method: clinical testing. Allele origin: germline. Affected: yes. Study: VKGL Data-share Consensus. Not counted in ClinVar's aggregate classification.

NM_000085.5(CLCNKB):c.1053+13G>C

Genes: CLCNKB (chloride voltage-gated channel Kb; plus strand), LOC106501713 (CLCNKB recombination region; plus strand). Cytogenetic location: 1p36.13.
Variant type: single nucleotide variant.
Coding change: c.1053+13G>C on transcript NM_000085.5 (MANE Select); 13 bases into the intron after coding-DNA position 1053, G replaced by C.
Molecular consequence: intron variant.
Genome position (GRCh38, 1-based): chr1:16,050,613, G>C. VCF-style: chr1-16050613-G-C. GRCh37 (hg19) VCF-style: chr1-16377108-G-C.
Other names: c.546+13G>C (NM_001165945.2).
Identifiers: ClinVar variation 504914 (VCV000504914.21), dbSNP rs35480349, ClinGen allele CA623679.